The following is an entry in ClinVar:

NM_002641.4(PIGA):c.853C>T (p.Arg285Cys)

Gene: PIGA (phosphatidylinositol glycan anchor biosynthesis class A; minus strand). Cytogenetic location: Xp22.2.
Variant type: single nucleotide variant.
Coding change: c.853C>T on transcript NM_002641.4 (MANE Select); coding-DNA position 853, C replaced by T.
Protein change: p.Arg285Cys; replaces arginine 285 with cysteine.
Molecular consequence: missense variant. On other transcripts: non-coding transcript variant (2).
Genome position (GRCh38, 1-based): chrX:15,325,148, G>A on the plus strand (C>T on the coding strand, the complement: PIGA is on the minus strand). VCF-style: chrX-15325148-G-A. GRCh37 (hg19) VCF-style: chrX-15343270-G-A.
Other names: c.853C>T (NM_002641.3); c.151C>T, p.Arg51Cys (NM_020473.3); short protein forms R51C, R285C.
Identifiers: ClinVar variation 1513786 (VCV001513786.17), dbSNP rs1921932909, ClinGen allele CA412336716.

ClinVar aggregate classification (germline): Uncertain significance. Review status: criteria provided, multiple submitters, no conflicts (2 of 4 stars). 3 submissions from 3 submitters: Uncertain significance (2). 1 of the submissions does not count toward it. Last evaluated 2026-01-26.

Conditions:
Multiple congenital anomalies-hypotonia-seizures syndrome 2 (MCAHS2). Also called: GLYCOSYLPHOSPHATIDYLINOSITOL BIOSYNTHESIS DEFECT 4; EPILEPTIC ENCEPHALOPATHY, EARLY INFANTILE, 20. Identifiers: Orphanet 300496, MedGen C3275508, MONDO:0010466, OMIM 300868.
PIGA-related disorder. Also called: PIGA-related condition.

Allele frequency attached by ClinVar (database versions not stated): gnomAD exomes below 0.00001.
gnomAD v4.1: 4 of 1,176,420 alleles (0.00034%); highest among the groups gnomAD compares: East Asian, 0.003%; no homozygotes.

Submissions (3):

Labcorp Genetics (formerly Invitae), Labcorp
Classification: Uncertain significance for Multiple congenital anomalies-hypotonia-seizures syndrome 2. Last evaluated: 2026-01-26. Review status: criteria provided, single submitter. Criteria: Invitae Variant Classification Sherloc (09022015). Collection method: clinical testing. Allele origin: germline.
Comment: This sequence change replaces arginine, which is basic and polar, with cysteine, which is neutral and slightly polar, at codon 285 of the PIGA protein (p.Arg285Cys). This variant is not present in population databases (gnomAD no frequency). This variant has not been reported in the literature in individuals affected with PIGA-related conditions. ClinVar contains an entry for this variant (Variation ID: 1513786). Invitae Evidence Modeling of protein sequence and biophysical properties (such as structural, functional, and spatial information, amino acid conservation, physicochemical variation, residue mobility, and thermodynamic stability) has been performed for this missense variant. However, the output from this modeling did not meet the statistical confidence thresholds required to predict the impact of this variant on PIGA protein function. Algorithms developed to predict the effect of sequence changes on RNA splicing suggest that this variant may disrupt the consensus splice site. In summary, the available evidence is currently insufficient to determine the role of this variant in disease. Therefore, it has been classified as a Variant of Uncertain Significance.

CeGaT Center for Human Genetics Tuebingen
Classification: Uncertain significance. Last evaluated: 2025-10-01. Review status: criteria provided, single submitter. Criteria: CeGaT Center For Human Genetics Tuebingen Variant Classification Criteria Version 2. Collection method: clinical testing. Allele origin: germline. Affected: yes. Observed: 2 variant alleles.

PreventionGenetics, part of Exact Sciences
Classification: Uncertain significance for PIGA-related condition. Last evaluated: 2024-02-13. Review status: no assertion criteria provided. Collection method: clinical testing. Allele origin: germline. Not counted in ClinVar's aggregate classification.
Comment: The PIGA c.853C>T variant is predicted to result in the amino acid substitution p.Arg285Cys. To our knowledge, this variant has not been reported in the literature or in a large population database, indicating this variant is rare. At this time, the clinical significance of this variant is uncertain due to the absence of conclusive functional and genetic evidence.